The following is an entry in ClinVar:

ClinVar aggregate classification (germline): Pathogenic. Review status: criteria provided, multiple submitters, no conflicts (2 of 4 stars). 4 submissions from 4 submitters: Pathogenic (3). 1 of the submissions does not count toward it. Last evaluated 2025-06-25.

Conditions:
LAMA2-related muscular dystrophy (LAMA2-RD). Also called: Laminin alpha 2-related dystrophy. Identifiers: MedGen C5679788, MONDO:0100228.
Merosin deficient congenital muscular dystrophy (MDC1A). Also called: Congenital Muscular Dystrophy Type 1A (MDC1A); Congenital merosin-deficient muscular dystrophy 1A. Identifiers: Orphanet 258, MedGen C1263858, MONDO:0011925, OMIM 607855.

Submissions (4):

Revvity Omics, Revvity
Classification: Pathogenic. Last evaluated: 2025-06-25. Review status: criteria provided, single submitter. Criteria: ACMG Guidelines, 2015. Collection method: clinical testing. Allele origin: germline.

Baylor Genetics
Classification: Pathogenic for Merosin deficient congenital muscular dystrophy. Last evaluated: 2024-03-11. Review status: criteria provided, single submitter. Criteria: ACMG Guidelines, 2015. Collection method: clinical testing. Allele origin: unknown.

Labcorp Genetics (formerly Invitae), Labcorp
Classification: Pathogenic for LAMA2-related muscular dystrophy. Last evaluated: 2022-11-28. Review status: criteria provided, single submitter. Criteria: Invitae Variant Classification Sherloc (09022015). Collection method: clinical testing. Allele origin: germline.
Comment: This sequence change creates a premature translational stop signal (p.Val1754*) in the LAMA2 gene. It is expected to result in an absent or disrupted protein product. Loss-of-function variants in LAMA2 are known to be pathogenic (PMID: 18700894, 32904964). This variant is not present in population databases (gnomAD no frequency). This premature translational stop signal has been observed in individual(s) with congenital muscular dystrophy, type 1A (PMID: 30055037). ClinVar contains an entry for this variant (Variation ID: 551353). For these reasons, this variant has been classified as Pathogenic.

Counsyl
Classification: Likely pathogenic for Merosin deficient congenital muscular dystrophy. Last evaluated: 2017-03-31. Review status: no assertion criteria provided. Collection method: clinical testing. Allele origin: unknown. Not counted in ClinVar's aggregate classification.

Literature cited by the submitters: PubMed 18700894 (cited by Labcorp Genetics (formerly Invitae), Labcorp); PubMed 32904964 (cited by Labcorp Genetics (formerly Invitae), Labcorp); PubMed 30055037 (cited by Labcorp Genetics (formerly Invitae), Labcorp); PubMed 25663498 (cited by Counsyl).

NM_000426.4(LAMA2):c.5259del (p.Lys1753_Val1754insTer)

Gene: LAMA2 (laminin subunit alpha 2; plus strand). Cytogenetic location: 6q22.33.
Variant type: Deletion.
Coding change: c.5259del on transcript NM_000426.4 (MANE Select); coding-DNA position 5259, one base deleted (A; older notation c.5259delA).
Protein change: p.Lys1753_Val1754insTer.
Molecular consequence: frameshift variant.
Genome position (GRCh38, 1-based): chr6:129,393,069, A deleted; the last of 6 consecutive A bases (chr6:129,393,064-129,393,069); deleting any one gives the same sequence. VCF-style (leftmost placement, unchanged base first): chr6-129393063-GA-G. GRCh37 (hg19) VCF-style: chr6-129714208-GA-G.
Other names: c.5259del (NM_000426.3); c.5259delA (NM_000426.3); c.5259del, p.Lys1753_Val1754insTer (NM_001079823.2).
Identifiers: ClinVar variation 551353 (VCV000551353.12), dbSNP rs1211739649, ClinGen allele CA570054437.
Genomic context (GRCh38, chr6:129,393,063, plus strand): 5'-ACATGAGCTCATTGTCTATTATTGGGCTGGGGGTGGTTACAGAGCTGCAGAAGCCCTTCT[GA>G]AAAAAGTGAAGAAGCTGTTTGGAGAGTCCCGGGGGGAAAATGAAGAAATGGAGAAGGATC-3'